The following is an entry in ClinVar:

NM_000051.4(ATM):c.664C>G (p.Gln222Glu)

Gene: ATM (ATM serine/threonine kinase; plus strand). Cytogenetic location: 11q22.3.
Variant type: single nucleotide variant.
Coding change: c.664C>G on transcript NM_000051.4 (MANE Select); coding-DNA position 664, C replaced by G.
Protein change: p.Gln222Glu; replaces glutamine 222 with glutamic acid.
Molecular consequence: missense variant.
Genome position (GRCh38, 1-based): chr11:108,244,789, C>G. VCF-style: chr11-108244789-C-G. GRCh37 (hg19) VCF-style: chr11-108115516-C-G.
Other names: c.664C>G, p.Gln222Glu (NM_001351834.2); short protein forms Q222E.
Identifiers: ClinVar variation 1511930 (VCV001511930.7), dbSNP rs1555066917, ClinGen allele CA382528911.
Genomic context (GRCh38, chr11:108,244,789, plus strand): 5'-CAGTTTGTACAGTTTGTTCCCCCTGTTATACCCAGTTGAGCTTGTTTGTTTCTTCACAGA[C>G]AAGAAAAGAGCTCTTCAGGTCTAAATCATATCTTAGCAGCTCTTACTATCTTCCTCAAGA-3'
Protein context (NP_000042.3, residues 212-232): FFSKAIQCAR[Gln222Glu]EKSSSGLNHI

ClinVar aggregate classification (germline): Uncertain significance. Review status: criteria provided, multiple submitters, no conflicts (2 of 4 stars). 3 submissions from 3 submitters: Uncertain significance (3). Last evaluated 2025-12-14.

Conditions:
Hereditary cancer-predisposing syndrome. Also called: Neoplastic Syndromes, Hereditary; Hereditary Cancer Syndrome; Tumor predisposition; Hereditary neoplastic syndrome. Identifiers: Orphanet 140162, MedGen C0027672, MeSH D009386, MONDO:0015356.
Ataxia-telangiectasia syndrome (AT). Also called: Cerebello-oculocutaneous telangiectasia; Immunodeficiency with ataxia telangiectasia; ATAXIA-TELANGIECTASIA, COMPLEMENTATION GROUP A; ATAXIA-TELANGIECTASIA, FRESNO VARIANT; Ataxia-telangiectasia, complementation group E; LOUIS-BAR SYNDROME. Identifiers: Orphanet 100, MedGen C0004135, MONDO:0008840, OMIM 208900.

Submissions (3):

Labcorp Genetics (formerly Invitae), Labcorp
Classification: Uncertain significance for Ataxia-telangiectasia syndrome. Last evaluated: 2025-12-14. Review status: criteria provided, single submitter. Criteria: Invitae Variant Classification Sherloc (09022015). Collection method: clinical testing. Allele origin: germline.
Comment: This sequence change replaces glutamine, which is neutral and polar, with glutamic acid, which is acidic and polar, at codon 222 of the ATM protein (p.Gln222Glu). This variant is not present in population databases (gnomAD no frequency). This variant has not been reported in the literature in individuals affected with ATM-related conditions. ClinVar contains an entry for this variant (Variation ID: 1511930). An algorithm developed to predict the effect of missense changes on protein structure and function (PolyPhen-2) suggests that this variant is likely to be tolerated. In summary, the available evidence is currently insufficient to determine the role of this variant in disease. Therefore, it has been classified as a Variant of Uncertain Significance.

Color Diagnostics, LLC DBA Color Health
Classification: Uncertain significance for Hereditary cancer-predisposing syndrome. Last evaluated: 2025-07-08. Review status: criteria provided, single submitter. Criteria: ACMG Guidelines, 2015. Collection method: clinical testing. Allele origin: germline.
Comment: This missense variant replaces glutamine with glutamic acid at codon 222 of the ATM protein. Computational prediction suggests that this variant may not impact protein structure and function. To our knowledge, functional studies have not been reported for this variant. This variant has not been reported in individuals affected with ATM-related disorders in the literature. This variant has not been identified in the general population by the Genome Aggregation Database (gnomAD). The available evidence is insufficient to determine the role of this variant in disease conclusively. Therefore, this variant is classified as a Variant of Uncertain Significance.

Sema4
Classification: Uncertain significance for Hereditary cancer-predisposing syndrome. Last evaluated: 2021-09-13. Review status: criteria provided, single submitter. Criteria: Sema4 Curation Guidelines. Collection method: curation. Allele origin: germline.
Comment: The ATM c.664C>G (p.Q222E) variant has not been reported in the literature to our knowledge. It was not observed in the large and broad cohorts of the Genome Aggregation Database (PMID: 32461654) and has not been reported in ClinVar. Functional studies have not been performed, and in silico predictions of the variant's effect on protein function are inconclusive. The evidence is insufficient to meet ACMG/AMP criteria for classifying the variant as benign or pathogenic. Thus, the clinical significance of this variant is currently uncertain.